The following is an entry in ClinVar:

NM_001205293.3(CACNA1E):c.4108A>G (p.Thr1370Ala)

Gene: CACNA1E (calcium voltage-gated channel subunit alpha1 E; plus strand). Cytogenetic location: 1q25.3.
Variant type: single nucleotide variant.
Coding change: c.4108A>G on transcript NM_001205293.3 (MANE Select); coding-DNA position 4108, A replaced by G.
Protein change: p.Thr1370Ala; replaces threonine 1370 with alanine.
Molecular consequence: missense variant.
Genome position (GRCh38, 1-based): chr1:181,756,074, A>G. VCF-style: chr1-181756074-A-G. GRCh37 (hg19) VCF-style: chr1-181725210-A-G.
Other names: c.4108A>G, p.Thr1370Ala (NM_000721.4); c.4051A>G, p.Thr1351Ala (NM_001205294.2); short protein forms T1351A, T1370A.
Identifiers: ClinVar variation 1362294 (VCV001362294.8), dbSNP rs2102685449, ClinGen allele CA343624084.

ClinVar aggregate classification (germline): Uncertain significance (1 of 4 stars; one submission).

Submission:

Labcorp Genetics (formerly Invitae), Labcorp
Classification: Uncertain significance. Last evaluated: 2021-06-19. Review status: criteria provided, single submitter. Criteria: Invitae Variant Classification Sherloc (09022015). Collection method: clinical testing. Allele origin: germline.
Comment: In summary, the available evidence is currently insufficient to determine the role of this variant in disease. Therefore, it has been classified as a Variant of Uncertain Significance. Advanced modeling of protein sequence and biophysical properties (such as structural, functional, and spatial information, amino acid conservation, physicochemical variation, residue mobility, and thermodynamic stability) performed at Invitae indicates that this missense variant is expected to disrupt CACNA1E protein function. This variant has not been reported in the literature in individuals with CACNA1E-related conditions. This variant is not present in population databases (ExAC no frequency). This sequence change replaces threonine with alanine at codon 1370 of the CACNA1E protein (p.Thr1370Ala). The threonine residue is highly conserved and there is a small physicochemical difference between threonine and alanine.